The following is an entry in ClinVar:

ClinVar aggregate classification (germline): Uncertain significance (1 of 4 stars; one submission).

Conditions:
Hereditary cancer-predisposing syndrome. Also called: Neoplastic Syndromes, Hereditary; Tumor predisposition; Hereditary neoplastic syndrome; Hereditary Cancer Syndrome. Identifiers: Orphanet 140162, MedGen C0027672, MeSH D009386, MONDO:0015356.

Submission:

Ambry Genetics
Classification: Uncertain significance for Hereditary cancer-predisposing syndrome. Last evaluated: 2026-07-02. Review status: criteria provided, single submitter. Criteria: Ambry Variant Classification Scheme 2023. Collection method: clinical testing. Allele origin: germline.
Comment: The p.N1241K variant (also known as c.3723T>A), located in coding exon 19 of the BRIP1 gene, results from a T to A substitution at nucleotide position 3723. The asparagine at codon 1241 is replaced by lysine, an amino acid with similar properties. This amino acid position is conserved. In addition, this alteration is predicted to be tolerated by in silico analysis. Based on the available evidence, the clinical significance of this variant remains unclear.

NM_032043.3(BRIP1):c.3723T>A (p.Asn1241Lys)

Gene: BRIP1 (BRCA1 interacting DNA helicase 1; minus strand). Cytogenetic location: 17q23.2.
Variant type: single nucleotide variant.
Coding change: c.3723T>A on transcript NM_032043.3 (MANE Select); coding-DNA position 3723, T replaced by A.
Protein change: p.Asn1241Lys; replaces asparagine 1241 with lysine.
Molecular consequence: missense variant.
Genome position (GRCh38, 1-based): chr17:61,683,323, A>T on the plus strand (T>A on the coding strand, the complement: BRIP1 is on the minus strand). VCF-style: chr17-61683323-A-T. GRCh37 (hg19) VCF-style: chr17-59760684-A-T.
Other names: short protein forms N1241K.
Identifiers: ClinVar variation 5033395 (VCV005033395.1).
Genomic context (GRCh38, chr17:61,683,323, plus strand): 5'-CATATTTTTACTTAGCTTGAGAGTTAAGTATTATTACTTAAAACCAGGAAACATGCCTTT[A>T]TTTTTGGAAGGAGATGGTTTAAAGTTCTTTATTTCTATTTCATGAGTTTTTCCCAGTTCC-3'
Protein context (NP_114432.2, residues 1231-1249): IKNFKPSPSK[Asn1241Lys]KGMFPGFK